The following is an entry in ClinVar:

ClinVar aggregate classification (germline): Uncertain significance. Review status: criteria provided, multiple submitters, no conflicts (2 of 4 stars). 2 submissions from 2 submitters: Uncertain significance (2). Last evaluated 2025-05-26.

Conditions:
Inborn genetic diseases. Identifiers: MedGen C0950123, MeSH D030342.

Allele frequency attached by ClinVar (database versions not stated): gnomAD exomes 0.00002; gnomAD 0.00003; TOPMed 0.00003; ExAC 0.00001.
gnomAD v4.1: 9 of 1,614,008 alleles (0.00056%); highest among the groups gnomAD compares: Admixed American, 0.013%; no homozygotes.

Submissions (2):

Ambry Genetics
Classification: Uncertain significance for Inborn genetic diseases. Last evaluated: 2025-05-26. Review status: criteria provided, single submitter. Criteria: Ambry Variant Classification Scheme 2023. Collection method: clinical testing. Allele origin: germline.

Labcorp Genetics (formerly Invitae), Labcorp
Classification: Uncertain significance. Last evaluated: 2023-10-03. Review status: criteria provided, single submitter. Criteria: Invitae Variant Classification Sherloc (09022015). Collection method: clinical testing. Allele origin: germline.
Comment: This sequence change replaces alanine, which is neutral and non-polar, with serine, which is neutral and polar, at codon 749 of the CDH3 protein (p.Ala749Ser). This variant is present in population databases (rs773370830, gnomAD 0.01%). This variant has not been reported in the literature in individuals affected with CDH3-related conditions. ClinVar contains an entry for this variant (Variation ID: 1057363). Advanced modeling of protein sequence and biophysical properties (such as structural, functional, and spatial information, amino acid conservation, physicochemical variation, residue mobility, and thermodynamic stability) performed at Invitae indicates that this missense variant is not expected to disrupt CDH3 protein function. In summary, the available evidence is currently insufficient to determine the role of this variant in disease. Therefore, it has been classified as a Variant of Uncertain Significance.

NM_001793.6(CDH3):c.2245G>T (p.Ala749Ser)

Gene: CDH3 (cadherin 3; plus strand). Cytogenetic location: 16q22.1.
Variant type: single nucleotide variant.
Coding change: c.2245G>T on transcript NM_001793.6 (MANE Select); coding-DNA position 2245, G replaced by T.
Protein change: p.Ala749Ser; replaces alanine 749 with serine.
Molecular consequence: missense variant.
Genome position (GRCh38, 1-based): chr16:68,695,888, G>T. VCF-style: chr16-68695888-G-T. GRCh37 (hg19) VCF-style: chr16-68729791-G-T.
Other names: c.2245G>T, p.Ala749Ser (NM_001317195.3); c.2080G>T, p.Ala694Ser (NM_001317196.2); c.2245G>T (NM_001793.4); short protein forms A694S, A749S.
Identifiers: ClinVar variation 1057363 (VCV001057363.10), dbSNP rs773370830, ClinGen allele CA8129629.